The following is an entry in ClinVar:

ClinVar aggregate classification (germline): Likely benign. Review status: criteria provided, multiple submitters, no conflicts (2 of 4 stars). 5 submissions from 5 submitters: Likely benign (3). 2 of the submissions do not count toward it. Last evaluated 2026-01-16.

Conditions:
Focal segmental glomerulosclerosis 7 (FSGS7). Identifiers: Orphanet 656, MedGen C4014925, MONDO:0014451, OMIM 616002.
Renal coloboma syndrome (PAPRS). Also called: PAPILLORENAL SYNDROME WITH MILD OCULAR ABNORMALITIES; OPTIC COLOBOMA, VESICOURETERAL REFLUX, AND RENAL ANOMALIES; OPTIC NERVE COLOBOMA WITH RENAL DISEASE; RENAL-COLOBOMA SYNDROME WITH MACULAR ABNORMALITIES; PAPILLORENAL SYNDROME; COLOBOMA OF OPTIC NERVE WITH RENAL DISEASE. Identifiers: Orphanet 1475, MedGen C1852759, MONDO:0007352, OMIM 120330.

Allele frequency attached by ClinVar (database versions not stated): gnomAD 0.00001; gnomAD exomes 0.00001; TOPMed 0.00001.
gnomAD v4.1: 18 of 1,589,638 alleles (0.0011%); highest among the groups gnomAD compares: Middle Eastern, 0.017%; no homozygotes.

Submissions (5):

Labcorp Genetics (formerly Invitae), Labcorp
Classification: Likely benign for Renal coloboma syndrome; Focal segmental glomerulosclerosis 7. Last evaluated: 2026-01-16. Review status: criteria provided, single submitter. Criteria: Invitae Variant Classification Sherloc (09022015). Collection method: clinical testing. Allele origin: germline.

CeGaT Center for Human Genetics Tuebingen
Classification: Likely benign. Last evaluated: 2023-09-01. Review status: criteria provided, single submitter. Criteria: CeGaT Center For Human Genetics Tuebingen Variant Classification Criteria Version 2. Collection method: clinical testing. Allele origin: germline. Affected: yes. Observed: 1 variant allele.
Comment: PAX2: BP4, BP7

Fulgent Genetics
Classification: Likely benign for Renal coloboma syndrome; Focal segmental glomerulosclerosis 7. Last evaluated: 2021-11-18. Review status: criteria provided, single submitter. Criteria: ACMG Guidelines, 2015. Collection method: clinical testing. Allele origin: unknown.

Clinical Genetics DNA and cytogenetics Diagnostics Lab, Erasmus MC, Erasmus Medical Center
Classification: Likely benign. Review status: no assertion criteria provided. Collection method: clinical testing. Allele origin: germline. Affected: yes. Study: VKGL Data-share Consensus. Not counted in ClinVar's aggregate classification.

Clinical Genetics, Academic Medical Center
Classification: Likely benign. Review status: no assertion criteria provided. Collection method: clinical testing. Allele origin: germline. Affected: yes. Study: VKGL Data-share Consensus. Not counted in ClinVar's aggregate classification.

NM_000278.5(PAX2):c.477C>T (p.Thr159=)

Gene: PAX2 (paired box 2; plus strand). Cytogenetic location: 10q24.31.
Variant type: single nucleotide variant.
Coding change: c.477C>T on transcript NM_000278.5 (MANE Select); coding-DNA position 477, C replaced by T.
Protein change: p.Thr159=; no amino-acid change (threonine 159 retained).
Molecular consequence: synonymous variant.
Genome position (GRCh38, 1-based): chr10:100,779,564, C>T. VCF-style: chr10-100779564-C-T. GRCh37 (hg19) VCF-style: chr10-102539321-C-T.
Other names: c.570C>T, p.Thr190= (NM_001304569.2); c.477C>T, p.Thr159= (NM_003987.5, NM_003988.5, NM_003989.5 and 1 more transcripts).
Identifiers: ClinVar variation 1299920 (VCV001299920.34), dbSNP rs201775091, ClinGen allele CA213066629.